The following is an entry in ClinVar:

ClinVar aggregate classification (germline): Uncertain significance (1 of 4 stars; one submission).

Submission:

Labcorp Genetics (formerly Invitae), Labcorp
Classification: Uncertain significance. Last evaluated: 2023-12-29. Review status: criteria provided, single submitter. Criteria: Invitae Variant Classification Sherloc (09022015). Collection method: clinical testing. Allele origin: germline.
Comment: This sequence change replaces lysine, which is basic and polar, with arginine, which is basic and polar, at codon 654 of the CNNM2 protein (p.Lys654Arg). This variant is not present in population databases (gnomAD no frequency). This variant has not been reported in the literature in individuals affected with CNNM2-related conditions. Advanced modeling of protein sequence and biophysical properties (such as structural, functional, and spatial information, amino acid conservation, physicochemical variation, residue mobility, and thermodynamic stability) performed at Invitae indicates that this missense variant is not expected to disrupt CNNM2 protein function with a negative predictive value of 80%. In summary, the available evidence is currently insufficient to determine the role of this variant in disease. Therefore, it has been classified as a Variant of Uncertain Significance.

NM_017649.5(CNNM2):c.1961A>G (p.Lys654Arg)

Gene: CNNM2 (cyclin and CBS domain divalent metal cation transport mediator 2; plus strand). Cytogenetic location: 10q24.32.
Variant type: single nucleotide variant.
Coding change: c.1961A>G on transcript NM_017649.5 (MANE Select); coding-DNA position 1961, A replaced by G.
Protein change: p.Lys654Arg; replaces lysine 654 with arginine.
Molecular consequence: missense variant.
Genome position (GRCh38, 1-based): chr10:103,056,852, A>G. VCF-style: chr10-103056852-A-G. GRCh37 (hg19) VCF-style: chr10-104816609-A-G.
Other names: c.1961A>G, p.Lys654Arg (NM_199076.3); short protein forms K654R.
Identifiers: ClinVar variation 2759398 (VCV002759398.3), dbSNP rs2493636960, ClinGen allele CA377960059.